The following is an entry in ClinVar:

NM_001375883.1(GPR161):c.-5T>A

Gene: GPR161 (G protein-coupled receptor 161; minus strand). Cytogenetic location: 1q24.2.
Variant type: single nucleotide variant.
Coding change: c.-5T>A on transcript NM_001375883.1 (MANE Select); 5 bases upstream of the start codon, T replaced by A.
Molecular consequence: 5 prime UTR variant. On other transcripts: missense variant (2), intron variant (4).
Genome position (GRCh38, 1-based): chr1:168,104,855, A>T on the plus strand (T>A on the coding strand, the complement: GPR161 is on the minus strand). VCF-style: chr1-168104855-A-T. GRCh37 (hg19) VCF-style: chr1-168074093-A-T.
Other names: c.56T>A, p.Leu19Gln (NM_001267609.1); c.-5T>A (NM_001267610.2, NM_001349632.1, NM_001349633.1 and 5 more transcripts); c.47T>A, p.Leu16Gln (NM_001267611.1); c.-22-7623T>A (NM_001349635.1, NM_001267612.2); c.33-7623T>A (NM_001267614.1); c.141-7623T>A (NM_001267613.1); short protein forms L19Q, L16Q.
Identifiers: ClinVar variation 180652 (VCV000180652.8), dbSNP rs200635937, ClinGen allele CA235294.

ClinVar aggregate classification (germline): Conflicting classifications of pathogenicity. Review status: criteria provided, conflicting classifications (1 of 4 stars). 4 submissions from 4 submitters: Likely pathogenic (1); Benign (2). 1 of the submissions does not count toward it. Last evaluated 2026-01-27.

Conditions:
Pituitary stalk interruption syndrome. Identifiers: Orphanet 95496, MedGen C4053775, MONDO:0019828.
Medulloblastoma (MDB). Also called: Medulloblastoma, somatic; MEDULLOBLASTOMA PREDISPOSITION SYNDROME. Identifiers: Orphanet 616, MedGen C0025149, MeSH D008527, MONDO:0007959, OMIM 155255, HP:0002885.

Allele frequency attached by ClinVar (database versions not stated): gnomAD 0.00028 and 0.00107; TOPMed 0.00029; gnomAD exomes 0.00167 and 0.00290; ExAC 0.00335; 1000 Genomes Project 30x 0.00375; 1000 Genomes Project 0.00439.
gnomAD v4.1: 2,596 of 1,612,380 alleles (0.16%); highest among the groups gnomAD compares: South Asian, 2.3%; 50 homozygotes.

Submissions (4):

Labcorp Genetics (formerly Invitae), Labcorp
Classification: Benign. Last evaluated: 2026-01-27. Review status: criteria provided, single submitter. Criteria: Invitae Variant Classification Sherloc (09022015). Collection method: clinical testing. Allele origin: germline.

Mendelics
Classification: Benign for Medulloblastoma. Last evaluated: 2024-01-23. Review status: criteria provided, single submitter. Criteria: ACMG Guidelines, 2015. Collection method: clinical testing. Allele origin: unknown.

Lupski Lab, Baylor-Hopkins CMG, Baylor College of Medicine
Classification: Likely pathogenic for Pituitary stalk interruption syndrome. Last evaluated: 2015-01-01. Review status: criteria provided, single submitter. Criteria: Karaca et al. (JCEM 2015). Collection method: research. Allele origin: germline. Inheritance: Autosomal recessive inheritance. Affected: yes and no. Observed: 7 variant alleles, 5 heterozygotes, 2 homozygotes. Clinical features observed: Growth hormone deficiency (HP:0000824), Short stature (HP:0004322).

OMIM
Classification: Uncertain significance for VARIANT OF UNKNOWN SIGNIFICANCE. Last evaluated: 2015-01-01. Review status: flagged submission. Collection method: literature only. Allele origin: germline. Not counted in ClinVar's aggregate classification.
ClinVar note: Reason: Outlier claim with insufficient supporting evidence

Literature cited by the submitters: PubMed 23332756 (cited by Lupski Lab, Baylor-Hopkins CMG, Baylor College of Medicine); PubMed 25322266 (cited by OMIM); Hamosh, A. Personal Communication. 2023. Baltimore, Md. (cited by OMIM).